The following is an entry in ClinVar:

ClinVar aggregate classification (germline): Pathogenic/Likely pathogenic. Review status: criteria provided, multiple submitters, no conflicts (2 of 4 stars). 5 submissions from 5 submitters: Pathogenic (4); Likely pathogenic (1). Last evaluated 2026-09-12.

Conditions:
Primary ciliary dyskinesia. Also called: Ciliary dyskinesia. Identifiers: Orphanet 244, MedGen C0008780, MONDO:0016575, HP:0012265.
Primary ciliary dyskinesia 7. Also called: CILIARY DYSKINESIA, PRIMARY, 7, WITH OR WITHOUT SITUS INVERSUS. Identifiers: Orphanet 244, MedGen C2678473, MONDO:0012748, OMIM 611884.

Allele frequency attached by ClinVar (database versions not stated): gnomAD exomes 0.00001; ExAC 0.00002; ESP Exome Variant Server 0.00008.
gnomAD v4.1: 20 of 1,613,728 alleles (0.0012%); highest among the groups gnomAD compares: Admixed American, 0.0033%; no homozygotes.

Submissions (5):

GeneDx
Classification: Pathogenic. Last evaluated: 2026-09-12. Review status: criteria provided, single submitter. Criteria: GeneDx Variant Classification Process June 2021. Collection method: clinical testing. Allele origin: germline.
Comment: Reported with a second DNAH11 variant (phase unknown) in an individual with primary ciliary dyskinesia (Finkas L et al. (2013) J Clin Immunol. 33 :681 DOI 10.1007/s10875-013-9869-2); Reported in a patient with primary ciliary dyskinesia; however a second DNAH11 variant was not found and the patient was homozygous for a pathogenic RSPH4A variant (PMID: 34513534); Nonsense variant predicted to result in protein truncation or nonsense mediated decay in a gene for which loss of function is a known mechanism of disease; Not observed at significant frequency in large population cohorts (gnomAD); This variant is associated with the following publications: (PMID: 31589614, 35626283, 34513534, Finkas_2013_Abstract)

Labcorp Genetics (formerly Invitae), Labcorp
Classification: Pathogenic for Primary ciliary dyskinesia. Last evaluated: 2025-12-15. Review status: criteria provided, single submitter. Criteria: Invitae Variant Classification Sherloc (09022015). Collection method: clinical testing. Allele origin: germline.
Comment: This sequence change creates a premature translational stop signal (p.Arg1045*) in the DNAH11 gene. It is expected to result in an absent or disrupted protein product. Loss-of-function variants in DNAH11 are known to be pathogenic (PMID: 18022865, 20513915, 22184204). This variant is present in population databases (rs377691013, gnomAD 0.002%). This premature translational stop signal has been observed in individual(s) with primary ciliary dyskinesia (internal data). ClinVar contains an entry for this variant (Variation ID: 620379). Algorithms developed to predict the effect of sequence changes on RNA splicing suggest that this variant may disrupt the consensus splice site. For these reasons, this variant has been classified as Pathogenic.

Dasa
Classification: Pathogenic. Last evaluated: 2025-05-24. Review status: criteria provided, single submitter. Criteria: DASA Assertion Criteria. Collection method: clinical testing. Allele origin: germline.
Comment: NM_001277115.2(DNAH11):c.3133C>T (p.Arg1045*) introduces a premature termination codon predicted to result in loss of normal protein function. Loss-of-function is an established mechanism of disease for this gene. This variant has been observed in affected individuals with related phenotype in a genotype context consistent with recessive disease. The variant is present at low frequency in population datasets. Based on the available data, this variant is classified as pathogenic.

Johns Hopkins Genomics, Johns Hopkins University
Classification: Pathogenic for Primary ciliary dyskinesia 7. Last evaluated: 2022-02-17. Review status: criteria provided, single submitter. Criteria: ACMG Guidelines, 2015. Collection method: clinical testing. Allele origin: germline.
Comment: This DNAH11 nonsense variant (rs377691013) is rare (<0.1%) in a large population dataset (gnomAD: 3/248100 total alleles; 0.001209%; no omozygotes). It has an entry in ClinVar (Variation ID: 620379) , but has not been reported in the peer reviewed literature in individuals with DNAH11-related primary ciliary dyskinesia, to our knowledge. This nonsense variant results in a premature stop codon in exon 16 of 82 likely leading to nonsense-mediated decay and lack of protein production. We consider DNAH11 c.3133C>T to be pathogenic.

Fulgent Genetics
Classification: Likely pathogenic for Primary ciliary dyskinesia 7. Last evaluated: 2021-07-20. Review status: criteria provided, single submitter. Criteria: ACMG Guidelines, 2015. Collection method: clinical testing. Allele origin: unknown.

Literature cited by the submitters: PubMed 18022865 (cited by Labcorp Genetics (formerly Invitae), Labcorp); PubMed 20513915 (cited by Labcorp Genetics (formerly Invitae), Labcorp); PubMed 22184204 (cited by Labcorp Genetics (formerly Invitae), Labcorp); PubMed 34513534 (cited by Johns Hopkins Genomics, Johns Hopkins University).

NM_001277115.2(DNAH11):c.3133C>T (p.Arg1045Ter)

Genes: DNAH11 (dynein axonemal heavy chain 11; plus strand), LOC126859961 (BRD4-independent group 4 enhancer GRCh37_chr7:21639662-21640861; plus strand). Cytogenetic location: 7p15.3.
Variant type: single nucleotide variant.
Coding change: c.3133C>T on transcript NM_001277115.2 (MANE Select); coding-DNA position 3133, C replaced by T.
Protein change: p.Arg1045Ter; replaces arginine 1045 with a stop codon.
Molecular consequence: nonsense.
Genome position (GRCh38, 1-based): chr7:21,600,808, C>T. VCF-style: chr7-21600808-C-T. GRCh37 (hg19) VCF-style: chr7-21640426-C-T.
Other names: short protein forms R1045*.
Identifiers: ClinVar variation 620379 (VCV000620379.14), dbSNP rs377691013, ClinGen allele CA4179536.